The following is an entry in ClinVar:

ClinVar aggregate classification (germline): Pathogenic (1 of 4 stars; one submission).

Conditions:
Hereditary hemorrhagic telangiectasia (HHT). Also called: ORW DISEASE; Osler Weber Rendu syndrome; OSLER-RENDU-WEBER DISEASE; Osler hemorrhagic telangiectasia syndrome. Identifiers: Orphanet 774, MedGen C0039445, MONDO:0019180. Disease mechanism: loss of function.

Submission:

Labcorp Genetics (formerly Invitae), Labcorp
Classification: Pathogenic for Hereditary hemorrhagic telangiectasia. Last evaluated: 2019-09-11. Review status: criteria provided, single submitter. Criteria: Invitae Variant Classification Sherloc (09022015). Collection method: clinical testing. Allele origin: germline.
Comment: Disruption of this splice site has been observed in several individuals affected with hereditary hemorrhagic telangiectasia (PMID: 15024723, Invitae). For these reasons, this variant has been classified as Pathogenic. Donor and acceptor splice site variants typically lead to a loss of protein function (PMID: 16199547), and loss-of-function variants in ENG are known to be pathogenic (PMID: 15879500, 20656886, 22385575). Algorithms developed to predict the effect of sequence changes on RNA splicing suggest that this variant may disrupt the consensus splice site, but this prediction has not been confirmed by published transcriptional studies. This variant is not present in population databases (ExAC no frequency). This sequence change affects a donor splice site in intron 5 of the ENG gene. It is expected to disrupt RNA splicing and likely results in an absent or disrupted protein product.

Literature cited by the submitters: PubMed 15024723; PubMed 16199547; PubMed 15879500; PubMed 20656886; PubMed 22385575.

NM_001114753.3(ENG):c.689+2T>A

Gene: ENG (endoglin; minus strand). Cytogenetic location: 9q34.11.
Variant type: single nucleotide variant.
Coding change: c.689+2T>A on transcript NM_001114753.3 (MANE Select); the canonical splice donor site of the intron after coding-DNA position 689, T replaced by A.
Molecular consequence: splice donor variant.
Genome position (GRCh38, 1-based): chr9:127,825,693, A>T on the plus strand (T>A on the coding strand, the complement: ENG is on the minus strand). VCF-style: chr9-127825693-A-T. GRCh37 (hg19) VCF-style: chr9-130587972-A-T.
Other names: c.689+2T>A (NM_000118.4, NM_001406715.1); c.143+2T>A (NM_001278138.2).
Identifiers: ClinVar variation 937701 (VCV000937701.11), dbSNP rs863223535, ClinGen allele CA374983473.